The following is an entry in ClinVar:

NM_000059.4(BRCA2):c.6187G>A (p.Gly2063Arg)

Gene: BRCA2 (BRCA2 DNA repair associated; plus strand). Cytogenetic location: 13q13.1.
Variant type: single nucleotide variant.
Coding change: c.6187G>A on transcript NM_000059.4 (MANE Select); coding-DNA position 6187, G replaced by A.
Protein change: p.Gly2063Arg; replaces glycine 2063 with arginine.
Molecular consequence: missense variant. On other transcripts: non-coding transcript variant (1), intron variant (2).
Genome position (GRCh38, 1-based): chr13:32,340,542, G>A. VCF-style: chr13-32340542-G-A. GRCh37 (hg19) VCF-style: chr13-32914679-G-A.
Other names: c.6187G>A, p.Gly2063Arg (NM_001406719.1, NM_001406720.1, NM_001432077.1); c.1910-4016G>A (NM_001406721.1); c.425-4016G>A (NM_001406722.1); short protein forms G2063R.
Identifiers: ClinVar variation 4215285 (VCV004215285.1).
Genomic context (GRCh38, chr13:32,340,542, plus strand): 5'-AAAGGCTTTTCATATAATGTGGTAAATTCATCTGCTTTCTCTGGATTTAGTACAGCAAGT[G>A]GAAAGCAAGTTTCCATTTTAGAAAGTTCCTTACACAAAGTTAAGGGAGTGTTAGAGGAAT-3'
Protein context (NP_000050.3, residues 2053-2073): SAFSGFSTAS[Gly2063Arg]KQVSILESSL

ClinVar aggregate classification (germline): Uncertain significance (1 of 4 stars; one submission).

Conditions:
Hereditary cancer-predisposing syndrome. Also called: Neoplastic Syndromes, Hereditary; Tumor predisposition; Hereditary Cancer Syndrome; Hereditary neoplastic syndrome. Identifiers: Orphanet 140162, MedGen C0027672, MeSH D009386, MONDO:0015356.

Submission:

Ambry Genetics
Classification: Uncertain significance for Hereditary cancer-predisposing syndrome. Last evaluated: 2025-07-09. Review status: criteria provided, single submitter. Criteria: Ambry Variant Classification Scheme 2023. Collection method: clinical testing. Allele origin: germline.
Comment: The p.G2063R variant (also known as c.6187G>A), located in coding exon 10 of the BRCA2 gene, results from a G to A substitution at nucleotide position 6187. The glycine at codon 2063 is replaced by arginine, an amino acid with dissimilar properties. This amino acid position is highly conserved in available vertebrate species. In addition, this alteration is predicted to be deleterious by in silico analysis. Based on the available evidence, the clinical significance of this variant remains unclear.